The following is an entry in ClinVar:

ClinVar aggregate classification (germline): Benign/Likely benign. Review status: criteria provided, multiple submitters, no conflicts (2 of 4 stars). 19 submissions from 19 submitters: Benign (13); Likely benign (2). 4 of the submissions do not count toward it. Last evaluated 2026-02-02.

Conditions:
Inborn genetic diseases. Identifiers: MedGen C0950123, MeSH D030342.
CHARGE syndrome (CHARGE). Also called: Hittner Hirsch Kreh syndrome; Coloboma, heart anomaly, choanal atresia, retardation, genital and ear anomalies; CHARGE association; Hall-Hittner syndrome; CHARGE ASSOCIATION--COLOBOMA, HEART ANOMALY, CHOANAL ATRESIA, RETARDATION, GENITAL AND EAR ANOMALIES. Identifiers: Orphanet 138, MedGen C0265354, MONDO:0008965.
Hypogonadotropic hypogonadism 5 with or without anosmia (KAL5). Also called: CHD7-Related GnRH Deficiency (Kallmann Syndrome 5); HYPOGONADOTROPIC HYPOGONADISM 5 WITH ANOSMIA; HYPOGONADOTROPHIC HYPOGONADISM 5 WITHOUT ANOSMIA. Identifiers: Orphanet 478, MedGen C3552553, MONDO:0012880, OMIM 612370. Disease mechanism: loss of function.

Allele frequency attached by ClinVar (database versions not stated): TOPMed 0.01342; 1000 Genomes Project 30x 0.00453; 1000 Genomes Project 0.00519; ExAC 0.01163; gnomAD exomes 0.01230; ESP Exome Variant Server 0.01294; gnomAD 0.01298 and 0.01358.
gnomAD v4.1: 28,829 of 1,613,918 alleles (1.8%); highest among the groups gnomAD compares: Non-Finnish European, 2.1%; 270 homozygotes.

Submissions (19):

Labcorp Genetics (formerly Invitae), Labcorp
Classification: Benign for CHARGE syndrome. Last evaluated: 2026-02-02. Review status: criteria provided, single submitter. Criteria: Invitae Variant Classification Sherloc (09022015). Collection method: clinical testing. Allele origin: germline.

Mayo Clinic Laboratories, Mayo Clinic
Classification: Benign. Last evaluated: 2025-10-14. Review status: criteria provided, single submitter. Criteria: ACMG Guidelines, 2015. Collection method: clinical testing. Allele origin: germline. Observed: 11 variant alleles.
Comment: BS1, BS2, BP4_moderate

Blueprint Genetics
Classification: Likely benign. Last evaluated: 2024-11-27. Review status: criteria provided, single submitter. Criteria: ACMG Guidelines, 2015. Collection method: clinical testing. Allele origin: germline.

Fulgent Genetics
Classification: Likely benign for CHD7-related CHARGE syndrome; Hypogonadotropic hypogonadism 5 with or without anosmia. Last evaluated: 2021-10-20. Review status: criteria provided, single submitter. Criteria: ACMG Guidelines, 2015. Collection method: clinical testing. Allele origin: unknown.

Illumina Laboratory Services, Illumina
Classification: Benign for Kallmann Syndrome 5. Last evaluated: 2018-01-12. Review status: criteria provided, single submitter. Criteria: ICSL Variant Classification Criteria 13 December 2019. Collection method: clinical testing. Allele origin: germline.
Comment: This variant was observed in the ICSL laboratory as part of a predisposition screen in an ostensibly healthy population. It had not been previously curated by ICSL or reported in the Human Gene Mutation Database (HGMD: prior to June 1st, 2018), and was therefore a candidate for classification through an automated scoring system. Utilizing variant allele frequency, disease prevalence and penetrance estimates, and inheritance mode, an automated score was calculated to assess if this variant is too frequent to cause the disease. Based on the score and internal cut-off values, a variant classified as benign is not then subjected to further curation. The score for this variant resulted in a classification of benign for this disease.

Athena Diagnostics
Classification: Benign. Last evaluated: 2017-10-16. Review status: criteria provided, single submitter. Criteria: Athena Diagnostics Criteria. Collection method: clinical testing. Allele origin: germline.

ARUP Laboratories, Molecular Genetics and Genomics, ARUP Laboratories
Classification: Benign. Last evaluated: 2017-09-29. Review status: criteria provided, single submitter. Criteria: ARUP Molecular Germline Variant Investigation Process. Collection method: clinical testing. Allele origin: germline.

Laboratory for Molecular Medicine, Mass General Brigham Personalized Medicine
Classification: Benign. Last evaluated: 2017-08-23. Review status: criteria provided, single submitter. Criteria: LMM Criteria. Collection method: clinical testing. Allele origin: germline. Observed: 11 variant alleles.
Comment: p.Ser103Thr in exon 2 of CHD7: This variant is not expected to have clinical sig nificance because it has been identified in 1.70% (1123/66212) of European chrom osomes by the Exome Aggregation Consortium (ExAC ; dbSNP rs41272435).

Genomic Diagnostic Laboratory, Division of Genomic Diagnostics, Children's Hospital of Philadelphia
Classification: Benign for CHARGE syndrome. Last evaluated: 2016-09-05. Review status: criteria provided, single submitter. Criteria: DGD Variant Analysis Guidelines. Collection method: clinical testing. Allele origin: germline. Affected: yes. Observed: 2 variant alleles.
Comment: Clinical Testing

Ambry Genetics
Classification: Benign for Inborn genetic diseases. Last evaluated: 2016-05-03. Review status: criteria provided, single submitter. Criteria: Ambry Variant Classification Scheme 2023. Collection method: clinical testing. Allele origin: germline.

Eurofins Ntd Llc (ga)
Classification: Benign. Last evaluated: 2016-02-15. Review status: criteria provided, single submitter. Criteria: EGL Classification Definitions 2015. Collection method: clinical testing. Allele origin: germline. Observed: 3 variant alleles, 3 heterozygotes.

GeneDx
Classification: Benign. Last evaluated: 2015-03-03. Review status: criteria provided, single submitter. Criteria: GeneDx Variant Classification Process June 2021. Collection method: clinical testing. Allele origin: germline. Affected: yes.

Genetic Services Laboratory, University of Chicago
Classification: Benign. Last evaluated: 2013-02-08. Review status: criteria provided, single submitter. Criteria: ACMG Guidelines, 2007. Collection method: clinical testing. Allele origin: germline. Inheritance: Autosomal dominant inheritance.

Breakthrough Genomics
Classification: Benign. Review status: criteria provided, single submitter. Criteria: ACMG Guidelines, 2015. Collection method: not provided. Allele origin: germline. Inheritance: Autosomal dominant inheritance. Affected: yes.

PreventionGenetics, part of Exact Sciences
Classification: Benign. Review status: criteria provided, single submitter. Criteria: ACMG Guidelines, 2015. Collection method: clinical testing. Allele origin: germline.

Clinical Genetics DNA and cytogenetics Diagnostics Lab, Erasmus MC, Erasmus Medical Center
Classification: Likely benign. Review status: no assertion criteria provided. Collection method: clinical testing. Allele origin: germline. Affected: yes. Study: VKGL Data-share Consensus. Not counted in ClinVar's aggregate classification.

Clinical Genetics, Academic Medical Center
Classification: Benign. Review status: no assertion criteria provided. Collection method: clinical testing. Allele origin: germline. Affected: yes. Study: VKGL Data-share Consensus. Not counted in ClinVar's aggregate classification.

Genome Diagnostics Laboratory, University Medical Center Utrecht
Classification: Benign. Review status: no assertion criteria provided. Collection method: clinical testing. Allele origin: germline. Affected: yes. Study: VKGL Data-share Consensus. Not counted in ClinVar's aggregate classification.

Laboratory of Diagnostic Genome Analysis, Leiden University Medical Center (LUMC)
Classification: Likely benign. Review status: no assertion criteria provided. Collection method: clinical testing. Allele origin: germline. Affected: yes. Study: VKGL Data-share Consensus. Not counted in ClinVar's aggregate classification.

Literature cited by the submitters: PubMed 18834967 (cited by Athena Diagnostics); PubMed 22539353 (cited by Athena Diagnostics); PubMed 21158681 (cited by Athena Diagnostics).

NM_017780.4(CHD7):c.307T>A (p.Ser103Thr)

Gene: CHD7 (chromodomain helicase DNA binding protein 7; plus strand). Cytogenetic location: 8q12.2.
Variant type: single nucleotide variant.
Coding change: c.307T>A on transcript NM_017780.4 (MANE Select); coding-DNA position 307, T replaced by A.
Protein change: p.Ser103Thr; replaces serine 103 with threonine.
Molecular consequence: missense variant.
Genome position (GRCh38, 1-based): chr8:60,741,739, T>A. VCF-style: chr8-60741739-T-A. GRCh37 (hg19) VCF-style: chr8-61654298-T-A.
Other names: c.307T>A, p.Ser103Thr (NM_001316690.1); short protein forms S103T.
Identifiers: ClinVar variation 95782 (VCV000095782.43), dbSNP rs41272435, ClinGen allele CA148856.